The following is an entry in ClinVar:

NM_025137.4(SPG11):c.1372C>T (p.Gln458Ter)

Gene: SPG11 (SPG11 vesicle trafficking associated, spatacsin; minus strand). Cytogenetic location: 15q21.1.
Variant type: single nucleotide variant.
Coding change: c.1372C>T on transcript NM_025137.4 (MANE Select); coding-DNA position 1372, C replaced by T.
Protein change: p.Gln458Ter; replaces glutamine 458 with a stop codon.
Molecular consequence: nonsense.
Genome position (GRCh38, 1-based): chr15:44,651,575, G>A on the plus strand (C>T on the coding strand, the complement: SPG11 is on the minus strand). VCF-style: chr15-44651575-G-A. GRCh37 (hg19) VCF-style: chr15-44943773-G-A.
Other names: c.1372C>T, p.Gln458Ter (NM_001160227.2, NM_001411132.1); c.1372C>T (NM_025137.3); short protein forms Q458*.
Identifiers: ClinVar variation 3675042 (VCV003675042.3).

ClinVar aggregate classification (germline): Pathogenic/Likely pathogenic. Review status: criteria provided, multiple submitters, no conflicts (2 of 4 stars). 2 submissions from 2 submitters: Pathogenic (1); Likely pathogenic (1). Last evaluated 2026-09-08.

Conditions:
SPG11-related disorder. Also called: SPG11-related condition.
Hereditary spastic paraplegia 11. Also called: Nakamura Osame syndrome; Autosomal recessive hereditary spastic paraplegia, mental impairment, and thin corpus callosum; Spastic Paraplegia 11; Spastic paraplegia, mental retardation and thin corpus callosum; SPASTIC PARAPLEGIA, AUTOSOMAL RECESSIVE, COMPLICATED, WITH THIN CORPUS CALLOSUM; SPASTIC PARAPLEGIA, AUTOSOMAL RECESSIVE, WITH MENTAL IMPAIRMENT AND THIN CORPUS CALLOSUM. Identifiers: Orphanet 2822, MedGen C1858479, MONDO:0011445, OMIM 604360.

Submissions (2):

PreventionGenetics, part of Exact Sciences
Classification: Likely pathogenic for SPG11-related condition. Last evaluated: 2026-09-08. Review status: criteria provided, single submitter. Criteria: ACMG Guidelines, 2015. Collection method: clinical testing. Allele origin: germline.
Comment: The SPG11 c.1372C>T variant is predicted to result in premature protein termination (p.Gln458*). To our knowledge, this variant has not been reported in the literature or in public population databases (gnomAD), indicating it is rare. In ClinVar, this variant is classified as pathogenic (Variation ID: 3675042). Nonsense variants in SPG11 are expected to be pathogenic. This variant is interpreted as likely pathogenic.

Labcorp Genetics (formerly Invitae), Labcorp
Classification: Pathogenic for Hereditary spastic paraplegia 11. Last evaluated: 2024-12-17. Review status: criteria provided, single submitter. Criteria: Invitae Variant Classification Sherloc (09022015). Collection method: clinical testing. Allele origin: germline.
Comment: This sequence change creates a premature translational stop signal (p.Gln458*) in the SPG11 gene. It is expected to result in an absent or disrupted protein product. Loss-of-function variants in SPG11 are known to be pathogenic (PMID: 19105190, 20110243, 22154821, 26556829). This variant is not present in population databases (gnomAD no frequency). This variant has not been reported in the literature in individuals affected with SPG11-related conditions. Algorithms developed to predict the effect of sequence changes on RNA splicing suggest that this variant may disrupt the consensus splice site. For these reasons, this variant has been classified as Pathogenic.

Literature cited by the submitters: PubMed 19105190 (cited by Labcorp Genetics (formerly Invitae), Labcorp); PubMed 20110243 (cited by Labcorp Genetics (formerly Invitae), Labcorp); PubMed 22154821 (cited by Labcorp Genetics (formerly Invitae), Labcorp); PubMed 26556829 (cited by Labcorp Genetics (formerly Invitae), Labcorp).